The following is an entry in ClinVar:

ClinVar aggregate classification (germline): Uncertain significance. Review status: criteria provided, multiple submitters, no conflicts (2 of 4 stars). 4 submissions from 4 submitters: Uncertain significance (4). Last evaluated 2023-08-30.

Conditions:
Cardiovascular phenotype. Identifiers: MedGen CN230736.
Myofibrillar myopathy 4. Also called: Zaspopathy (type). Identifiers: Orphanet 98912, MedGen C4721886, MONDO:0012277, OMIM 609452.

Allele frequency attached by ClinVar (database versions not stated): TOPMed 0.00002; ESP Exome Variant Server 0.00008.
gnomAD v4.1: 35 of 1,614,054 alleles (0.0022%); highest among the groups gnomAD compares: Admixed American, 0.005%; no homozygotes.

Submissions (4):

Ambry Genetics
Classification: Uncertain significance for Cardiovascular phenotype. Last evaluated: 2023-08-30. Review status: criteria provided, single submitter. Criteria: Ambry Variant Classification Scheme 2023. Collection method: clinical testing. Allele origin: germline.
Comment: The p.V49M variant (also known as c.145G>A), located in coding exon 2 of the LDB3 gene, results from a G to A substitution at nucleotide position 145. The valine at codon 49 is replaced by methionine, an amino acid with highly similar properties. This amino acid position is well conserved in available vertebrate species. In addition, the in silico prediction for this alteration is inconclusive. Since supporting evidence is limited at this time, the clinical significance of this alteration remains unclear.

Revvity Omics, Revvity
Classification: Uncertain significance. Last evaluated: 2023-05-18. Review status: criteria provided, single submitter. Criteria: ACMG Guidelines, 2015. Collection method: clinical testing. Allele origin: germline.

Labcorp Genetics (formerly Invitae), Labcorp
Classification: Uncertain significance for Myofibrillar myopathy 4. Last evaluated: 2023-01-13. Review status: criteria provided, single submitter. Criteria: Invitae Variant Classification Sherloc (09022015). Collection method: clinical testing. Allele origin: germline.
Comment: Algorithms developed to predict the effect of missense changes on protein structure and function are either unavailable or do not agree on the potential impact of this missense change (SIFT: "Deleterious"; PolyPhen-2: "Probably Damaging"; Align-GVGD: "Class C0"). ClinVar contains an entry for this variant (Variation ID: 1026525). This variant has not been reported in the literature in individuals affected with LDB3-related conditions. This variant is present in population databases (rs200645175, gnomAD 0.009%). This sequence change replaces valine, which is neutral and non-polar, with methionine, which is neutral and non-polar, at codon 49 of the LDB3 protein (p.Val49Met). In summary, the available evidence is currently insufficient to determine the role of this variant in disease. Therefore, it has been classified as a Variant of Uncertain Significance.

CeGaT Center for Human Genetics Tuebingen
Classification: Uncertain significance. Last evaluated: 2022-01-01. Review status: criteria provided, single submitter. Criteria: CeGaT Center For Human Genetics Tuebingen Variant Classification Criteria Version 2. Collection method: clinical testing. Allele origin: germline. Affected: yes. Observed: 1 variant allele.

NM_007078.3(LDB3):c.145G>A (p.Val49Met)

Gene: LDB3 (LIM domain binding 3; plus strand). Cytogenetic location: 10q23.2.
Variant type: single nucleotide variant.
Coding change: c.145G>A on transcript NM_007078.3 (MANE Select); coding-DNA position 145, G replaced by A.
Protein change: p.Val49Met; replaces valine 49 with methionine.
Molecular consequence: missense variant.
Genome position (GRCh38, 1-based): chr10:86,679,418, G>A. VCF-style: chr10-86679418-G-A. GRCh37 (hg19) VCF-style: chr10-88439175-G-A.
Other names: c.145G>A, p.Val49Met (NM_001080114.2, NM_001080115.2, NM_001080116.1 and 8 more transcripts); short protein forms V49M.
Identifiers: ClinVar variation 1026525 (VCV001026525.45), dbSNP rs200645175, ClinGen allele CA5584603.